The following is an entry in ClinVar:

NM_004006.3(DMD):c.10224-175_10230del

Gene: DMD (dystrophin; minus strand). Cytogenetic location: Xp21.2.
Variant type: Deletion.
Coding change: c.10224-175_10230del on transcript NM_004006.3 (MANE Select); 175 bases into the intron before coding-DNA position 10224 through coding-DNA position 10230, 182 bases deleted.
Molecular consequence: splice acceptor variant. On other transcripts: intron variant (5).
Genome position (GRCh38, 1-based): chrX:31,177,964-31,178,145, 182 bases deleted. GRCh37 (hg19): chrX:31,196,082-31,196,263.
Other names: c.10200-175_10206del (NM_000109.4); c.6201-175_6207del (NM_004011.4); c.6192-175_6198del (NM_004012.4); c.2843+524_2843+705del (NM_004023.3, NM_004020.4, NM_004022.3); c.2844-175_2850del (NM_004021.3, NM_004013.3); c.2037-175_2043del (NM_004014.3); c.1019+524_1019+705del (NM_004018.3, NM_004017.3); c.1020-175_1026del (NM_004016.3, NM_004015.3); and 2 more.
Identifiers: ClinVar variation 526054 (VCV000526054.9), dbSNP rs1556035817, ClinGen allele CA658799634.

ClinVar aggregate classification (germline): Pathogenic (1 of 4 stars; one submission).

Conditions:
Duchenne muscular dystrophy (DMD). Also called: Duchenne Muscular Dystrophy (DMD); MUSCULAR DYSTROPHY, PSEUDOHYPERTROPHIC PROGRESSIVE, DUCHENNE TYPE. Identifiers: Orphanet 98896, MedGen C0013264, MONDO:0010679, OMIM 310200.

Submission:

Labcorp Genetics (formerly Invitae), Labcorp
Classification: Pathogenic for Duchenne muscular dystrophy. Last evaluated: 2017-12-29. Review status: criteria provided, single submitter. Criteria: Invitae Variant Classification Sherloc (09022015). Collection method: clinical testing. Allele origin: germline.
Comment: For these reasons, this variant has been classified as Pathogenic. Donor and acceptor splice site variants typically lead to a loss of protein function (PMID: 16199547), and loss-of-function variants in DMD are known to be pathogenic (PMID: 16770791, 25007885). Algorithms developed to predict the effect of sequence changes on RNA splicing suggest that this variant may disrupt the consensus splice site, but this prediction has not been confirmed by published transcriptional studies. This variant has not been reported in the literature in individuals with DMD-related disease. This variant is not present in population databases (ExAC no frequency). This sequence change removes the first 7 nucleotides of exon 71, and affects an acceptor splice site in intron 70 of the DMD gene. It is expected to disrupt RNA splicing and likely results in an absent or disrupted protein product.

Literature cited by the submitters: PubMed 16199547; PubMed 16770791; PubMed 25007885.